The following is an entry in ClinVar:

NM_001384474.1(LOXHD1):c.6270G>A (p.Arg2090=)

Gene: LOXHD1 (lipoxygenase homology PLAT domains 1; minus strand). Cytogenetic location: 18q21.1.
Variant type: single nucleotide variant.
Coding change: c.6270G>A on transcript NM_001384474.1 (MANE Select); coding-DNA position 6270, G replaced by A.
Protein change: p.Arg2090=; no amino-acid change (arginine 2090 retained).
Molecular consequence: synonymous variant.
Genome position (GRCh38, 1-based): chr18:46,483,658, C>T on the plus strand (G>A on the coding strand, the complement: LOXHD1 is on the minus strand). VCF-style: chr18-46483658-C-T. GRCh37 (hg19) VCF-style: chr18-44063621-C-T.
Other names: c.2937G>A, p.Arg979= (NM_001145472.3); c.987G>A, p.Arg329= (NM_001145473.3, NM_001173129.2); c.2649G>A, p.Arg883= (NM_001308013.2); c.6084G>A, p.Arg2028= (NM_144612.7).
Identifiers: ClinVar variation 504608 (VCV000504608.30), dbSNP rs367833904, ClinGen allele CA8952059.

ClinVar aggregate classification (germline): Conflicting classifications of pathogenicity. Review status: criteria provided, conflicting classifications (1 of 4 stars). 7 submissions from 7 submitters: Uncertain significance (1); Benign (2); Likely benign (3). 1 of the submissions does not count toward it. Last evaluated 2026-01-31.

Conditions:
Autosomal recessive nonsyndromic hearing loss 77. Identifiers: Orphanet 90636, MedGen C2746083, MONDO:0013119, OMIM 613079.

Allele frequency attached by ClinVar (database versions not stated): gnomAD exomes 0.00073; ExAC 0.00138; gnomAD 0.00296 and 0.00315; ESP Exome Variant Server 0.00350; TOPMed 0.00357; 1000 Genomes Project 0.00359; 1000 Genomes Project 30x 0.00390.
gnomAD v4.1: 887 of 1,551,658 alleles (0.057%); highest among the groups gnomAD compares: African/African-American, 1%; 4 homozygotes.

Submissions (7):

Labcorp Genetics (formerly Invitae), Labcorp
Classification: Benign. Last evaluated: 2026-01-31. Review status: criteria provided, single submitter. Criteria: Invitae Variant Classification Sherloc (09022015). Collection method: clinical testing. Allele origin: germline.

CeGaT Center for Human Genetics Tuebingen
Classification: Likely benign. Last evaluated: 2025-11-01. Review status: criteria provided, single submitter. Criteria: CeGaT Center For Human Genetics Tuebingen Variant Classification Criteria Version 2. Collection method: clinical testing. Allele origin: germline. Affected: yes. Observed: 1 variant allele.
Comment: LOXHD1: BP4, BP7, BS1

Blueprint Genetics
Classification: Likely benign. Last evaluated: 2024-11-13. Review status: criteria provided, single submitter. Criteria: ACMG Guidelines, 2015. Collection method: clinical testing. Allele origin: germline.

GeneDx
Classification: Likely benign. Last evaluated: 2018-10-29. Review status: criteria provided, single submitter. Criteria: GeneDx Variant Classification Process June 2021. Collection method: clinical testing. Allele origin: germline. Affected: yes.

Illumina Laboratory Services, Illumina
Classification: Uncertain significance for Autosomal recessive nonsyndromic hearing loss 77. Last evaluated: 2018-01-13. Review status: criteria provided, single submitter. Criteria: ICSL Variant Classification Criteria 13 December 2019. Collection method: clinical testing. Allele origin: germline.

Laboratory for Molecular Medicine, Mass General Brigham Personalized Medicine
Classification: Benign. Last evaluated: 2012-04-30. Review status: criteria provided, single submitter. Criteria: LMM Criteria. Collection method: clinical testing. Allele origin: germline. Observed: 2 variant alleles.
Comment: Arg2028Arg in Exon 39 of LOXHD1: This variant is not expected to have clinical s ignificance because it does not alter an amino acid residue, is not located with in the splice consensus sequence, and has been identified in 1.1% (8/702) of Afr ican American chromosomes from a broad population by the NHLBI Exome Sequencing Project.

Natera, Inc.
Classification: Benign for Autosomal recessive deafness type 77. Last evaluated: 2020-09-16. Review status: no assertion criteria provided. Collection method: clinical testing. Allele origin: germline. Not counted in ClinVar's aggregate classification.